The following is an entry in ClinVar:

ClinVar aggregate classification (germline): Uncertain significance. Review status: criteria provided, multiple submitters, no conflicts (2 of 4 stars). 2 submissions from 2 submitters: Uncertain significance (2). Last evaluated 2025-06-08.

Conditions:
Inborn genetic diseases. Identifiers: MedGen C0950123, MeSH D030342.

Submissions (2):

Labcorp Genetics (formerly Invitae), Labcorp
Classification: Uncertain significance. Last evaluated: 2025-06-08. Review status: criteria provided, single submitter. Criteria: Invitae Variant Classification Sherloc (09022015). Collection method: clinical testing. Allele origin: germline.
Comment: This sequence change replaces leucine, which is neutral and non-polar, with arginine, which is basic and polar, at codon 708 of the DUOX2 protein (p.Leu708Arg). This variant is not present in population databases (gnomAD no frequency). This variant has not been reported in the literature in individuals affected with DUOX2-related conditions. ClinVar contains an entry for this variant (Variation ID: 2534116). Invitae Evidence Modeling of protein sequence and biophysical properties (such as structural, functional, and spatial information, amino acid conservation, physicochemical variation, residue mobility, and thermodynamic stability) has been performed for this missense variant. However, the output from this modeling did not meet the statistical confidence thresholds required to predict the impact of this variant on DUOX2 protein function. In summary, the available evidence is currently insufficient to determine the role of this variant in disease. Therefore, it has been classified as a Variant of Uncertain Significance.

Ambry Genetics
Classification: Uncertain significance for Inborn genetic diseases. Last evaluated: 2023-04-07. Review status: criteria provided, single submitter. Criteria: Ambry Variant Classification Scheme 2023. Collection method: clinical testing. Allele origin: germline.

NM_001363711.2(DUOX2):c.2123T>G (p.Leu708Arg)

Gene: DUOX2 (dual oxidase 2; minus strand). Cytogenetic location: 15q21.1.
Variant type: single nucleotide variant.
Coding change: c.2123T>G on transcript NM_001363711.2 (MANE Select); coding-DNA position 2123, T replaced by G.
Protein change: p.Leu708Arg; replaces leucine 708 with arginine.
Molecular consequence: missense variant.
Genome position (GRCh38, 1-based): chr15:45,106,150, A>C on the plus strand (T>G on the coding strand, the complement: DUOX2 is on the minus strand). VCF-style: chr15-45106150-A-C. GRCh37 (hg19) VCF-style: chr15-45398348-A-C.
Other names: c.2123T>G, p.Leu708Arg (NM_014080.5); short protein forms L708R.
Identifiers: ClinVar variation 2534116 (VCV002534116.3), dbSNP rs1795112478, ClinGen allele CA392272796.